The following is an entry in ClinVar:

NM_018255.4(ELP2):c.49C>T (p.Arg17Trp)

Gene: ELP2 (elongator acetyltransferase complex subunit 2; plus strand). Cytogenetic location: 18q12.2.
Variant type: single nucleotide variant.
Coding change: c.49C>T on transcript NM_018255.4 (MANE Select); coding-DNA position 49, C replaced by T.
Protein change: p.Arg17Trp; replaces arginine 17 with tryptophan.
Molecular consequence: missense variant. On other transcripts: 5 prime UTR variant (1), non-coding transcript variant (4).
Genome position (GRCh38, 1-based): chr18:36,129,982, C>T. VCF-style: chr18-36129982-C-T. GRCh37 (hg19) VCF-style: chr18-33709945-C-T.
Other names: c.49C>T, p.Arg17Trp (NM_001242875.3, NM_001242876.3, NM_001242877.3 and 5 more transcripts); c.-320C>T (NM_001324468.2); short protein forms R17W.
Identifiers: ClinVar variation 3767699 (VCV003767699.1).

ClinVar aggregate classification (germline): Uncertain significance (1 of 4 stars; one submission).

gnomAD v4.1: 2 of 1,614,204 alleles (0.00012%); highest among the groups gnomAD compares: Non-Finnish European, 0.00017%; no homozygotes.

Submission:

GeneDx
Classification: Uncertain significance. Last evaluated: 2024-09-06. Review status: criteria provided, single submitter. Criteria: GeneDx Variant Classification Process June 2021. Collection method: clinical testing. Allele origin: germline. Affected: yes.
Comment: Not observed at significant frequency in large population cohorts (gnomAD); In silico analysis supports that this missense variant has a deleterious effect on protein structure/function; Has not been previously published as pathogenic or benign to our knowledge